The following is an entry in ClinVar:

ClinVar aggregate classification (germline): Uncertain significance (1 of 4 stars; one submission).

Conditions:
Autosomal dominant nonsyndromic hearing loss 1. Also called: KONIGSMARK SYNDROME; DEAFNESS, AUTOSOMAL DOMINANT 1, WITH OR WITHOUT THROMBOCYTOPENIA. Identifiers: Orphanet 90635, MedGen C1852282, MONDO:0007424, OMIM 124900.
Progressive microcephaly-seizures-cortical blindness-developmental delay syndrome. Also called: Seizures, cortical blindness, and microcephaly syndrome. Identifiers: Orphanet 477814, MedGen C5567650, MONDO:0014714, OMIM 616632.

Submission:

Labcorp Genetics (formerly Invitae), Labcorp
Classification: Uncertain significance for Progressive microcephaly-seizures-cortical blindness-developmental delay syndrome; Autosomal dominant nonsyndromic hearing loss 1. Last evaluated: 2022-07-25. Review status: criteria provided, single submitter. Criteria: Invitae Variant Classification Sherloc (09022015). Collection method: clinical testing. Allele origin: germline.
Comment: This variant is not present in population databases (gnomAD no frequency). This sequence change replaces methionine, which is neutral and non-polar, with isoleucine, which is neutral and non-polar, at codon 159 of the DIAPH1 protein (p.Met159Ile). This variant has not been reported in the literature in individuals affected with DIAPH1-related conditions. ClinVar contains an entry for this variant (Variation ID: 1438957). Algorithms developed to predict the effect of missense changes on protein structure and function are either unavailable or do not agree on the potential impact of this missense change (SIFT: "Tolerated"; PolyPhen-2: "Not Available"; Align-GVGD: "Class C0"). In summary, the available evidence is currently insufficient to determine the role of this variant in disease. Therefore, it has been classified as a Variant of Uncertain Significance.

NM_005219.5(DIAPH1):c.477G>T (p.Met159Ile)

Gene: DIAPH1 (diaphanous related formin 1; minus strand). Cytogenetic location: 5q31.3.
Variant type: single nucleotide variant.
Coding change: c.477G>T on transcript NM_005219.5 (MANE Select); coding-DNA position 477, G replaced by T.
Protein change: p.Met159Ile; replaces methionine 159 with isoleucine.
Molecular consequence: missense variant.
Genome position (GRCh38, 1-based): chr5:141,583,541, C>A on the plus strand (G>T on the coding strand, the complement: DIAPH1 is on the minus strand). VCF-style: chr5-141583541-C-A. GRCh37 (hg19) VCF-style: chr5-140963108-C-A.
Other names: c.450G>T, p.Met150Ile (NM_001079812.3); c.477G>T, p.Met159Ile (NM_001314007.2); short protein forms M159I, M150I.
Identifiers: ClinVar variation 1438957 (VCV001438957.6), dbSNP rs2154596604, ClinGen allele CA361541859.
Genomic context (GRCh38, chr5:141,583,541, plus strand): 5'-TCACCTGACAGGGTTGTTGTTGAGAGACACACGAAGGGACTCCAGGCAGCTGAGCAGAGG[C>A]ATATCCCGCAAGCCTGACCTCAACTCCTGAATATACATCATGGCAGACTTAGAGCTCTCC-3'
Protein context (NP_005210.3, residues 149-169): IQELRSGLRD[Met159Ile]PLLSCLESLR